The following is an entry in ClinVar:

NM_000179.3(MSH6):c.2528T>C (p.Ile843Thr)

Gene: MSH6 (mutS homolog 6; plus strand). Cytogenetic location: 2p16.3.
Variant type: single nucleotide variant.
Coding change: c.2528T>C on transcript NM_000179.3 (MANE Select); coding-DNA position 2528, T replaced by C.
Protein change: p.Ile843Thr; replaces isoleucine 843 with threonine.
Molecular consequence: missense variant. On other transcripts: non-coding transcript variant (5), intron variant (3).
Genome position (GRCh38, 1-based): chr2:47,800,511, T>C. VCF-style: chr2-47800511-T-C. GRCh37 (hg19) VCF-style: chr2-48027650-T-C.
Other names: c.2138T>C, p.Ile713Thr (NM_001281492.2); c.1622T>C, p.Ile541Thr (NM_001281493.2, NM_001281494.2, NM_001406812.1 and 6 more transcripts); c.2624T>C, p.Ile875Thr (NM_001406795.1, NM_001406802.1); c.2528T>C, p.Ile843Thr (NM_001406796.1, NM_001406798.1, NM_001406800.1 and 2 more transcripts); c.2231T>C, p.Ile744Thr (NM_001406797.1, NM_001406818.1, NM_001406819.1 and 10 more transcripts); c.2003T>C, p.Ile668Thr (NM_001406799.1, NM_001406806.1, NM_001406807.1); c.2534T>C, p.Ile845Thr (NM_001406813.1); c.2360T>C, p.Ile787Thr (NM_001406826.1); and 4 more; short protein forms I744T, I817T, I713T, I787T, I843T, I845T, I541T, I668T.
Identifiers: ClinVar variation 3296365 (VCV003296365.1).

ClinVar aggregate classification (germline): Uncertain significance (1 of 4 stars; one submission).

Conditions:
Hereditary cancer-predisposing syndrome. Also called: Tumor predisposition; Hereditary Cancer Syndrome; Hereditary neoplastic syndrome; Neoplastic Syndromes, Hereditary. Identifiers: Orphanet 140162, MedGen C0027672, MeSH D009386, MONDO:0015356.

Submission:

Ambry Genetics
Classification: Uncertain significance for Hereditary cancer-predisposing syndrome. Last evaluated: 2024-03-25. Review status: criteria provided, single submitter. Criteria: Ambry Variant Classification Scheme 2023. Collection method: clinical testing. Allele origin: germline.
Comment: The p.I843T variant (also known as c.2528T>C), located in coding exon 4 of the MSH6 gene, results from a T to C substitution at nucleotide position 2528. The isoleucine at codon 843 is replaced by threonine, an amino acid with similar properties. This amino acid position is conserved. In addition, the in silico prediction for this alteration is inconclusive. Based on the available evidence, the clinical significance of this alteration remains unclear.